The following is an entry in ClinVar:

NM_001369.3(DNAH5):c.13774C>T (p.Arg4592Ter)

Gene: DNAH5 (dynein axonemal heavy chain 5; minus strand). Cytogenetic location: 5p15.2.
Variant type: single nucleotide variant.
Coding change: c.13774C>T on transcript NM_001369.3 (MANE Select); coding-DNA position 13774, C replaced by T.
Protein change: p.Arg4592Ter; replaces arginine 4592 with a stop codon.
Molecular consequence: nonsense.
Genome position (GRCh38, 1-based): chr5:13,692,085, G>A on the plus strand (C>T on the coding strand, the complement: DNAH5 is on the minus strand). VCF-style: chr5-13692085-G-A. GRCh37 (hg19) VCF-style: chr5-13692194-G-A.
Other names: c.13774C>T (NM_001369.2); short protein forms R4592*.
Identifiers: ClinVar variation 1066064 (VCV001066064.21), dbSNP rs758112779, ClinGen allele CA3201246.

ClinVar aggregate classification (germline): Conflicting classifications of pathogenicity. Review status: criteria provided, conflicting classifications (1 of 4 stars). 9 submissions from 9 submitters: Pathogenic (2); Likely pathogenic (6); Uncertain significance (1). Last evaluated 2025-11-06.

Conditions:
Primary ciliary dyskinesia 3. Identifiers: Orphanet 244, MedGen C1837618, MONDO:0012085, OMIM 608644.
Primary ciliary dyskinesia. Also called: Ciliary dyskinesia. Identifiers: Orphanet 244, MedGen C0008780, MONDO:0016575, HP:0012265.
DNAH5-related disorder. Also called: DNAH5-related condition.

Allele frequency attached by ClinVar (database versions not stated): gnomAD exomes below 0.00001 and 0.00001; TOPMed below 0.00001; ExAC 0.00002.
gnomAD v4.1: 5 of 1,614,016 alleles (0.00031%); highest among the groups gnomAD compares: Admixed American, 0.005%; no homozygotes.

Submissions (9):

Natera, Inc.
Classification: Likely pathogenic for Primary ciliary dyskinesia. Last evaluated: 2025-11-06. Review status: criteria provided, single submitter. Criteria: Natera Variant Classification Schema (03/2026). Collection method: clinical testing. Allele origin: germline.
Comment: The c.13774C>T variant in DNAH5 is a nonsense variant predicted to introduce a stop codon at amino acid 4592. This variant may result in a truncated or dysfunctional protein product. This variant is rare in the general population with a frequency below the threshold expected for the associated phenotype(s). This variant has been observed in one or more individuals affected with the associated recessive disease, as either homozygous or compound heterozygous with a second variant (PMID: 32502767, 33760720). Given the available evidence, this variant is classified as Likely Pathogenic.

Myriad Genetics, Inc.
Classification: Likely pathogenic for Primary ciliary dyskinesia 3. Last evaluated: 2025-04-18. Review status: criteria provided, single submitter. Criteria: Myriad Autosomal Dominant, Autosomal Recessive and X-Linked Classification Criteria (2023). Collection method: clinical testing. Allele origin: unknown.
Comment: NM_001369.2(DNAH5):c.13774C>T(R4592*) is a nonsense variant classified as likely pathogenic in the context of primary ciliary dyskinesia, DNAH5-related. R4592* has been observed in cases with relevant disease (PMID: 39181709, 32502767, 39875822). Relevant functional assessments of this variant are not available in the literature. R4592* has been observed in referenced population frequency databases. In summary, NM_001369.2(DNAH5):c.13774C>T(R4592*) is a nonsense variant that has been observed more frequently in cases with the relevant disease than in healthy populations. Please note: this variant was assessed in the context of healthy population screening.

PreventionGenetics, part of Exact Sciences
Classification: Likely pathogenic for DNAH5-related condition. Last evaluated: 2025-03-19. Review status: criteria provided, single submitter. Criteria: ACMG Guidelines, 2015. Collection method: clinical testing. Allele origin: germline.
Comment: The DNAH5 c.13774C>T variant is predicted to result in premature protein termination (p.Arg4592*). This variant has been reported in the homozygous state in an individual with primary ciliary dyskinesia (Chen et al. 2020. PubMed ID: 32502767). This variant is reported in 0.0087% of alleles in individuals of Latino descent in gnomAD. This variant is located in the terminal exon of DNAH5 and is therefore not expected to undergo nonsense-mediated mRNA decay. However, other nonsense and frameshift variants have been reported in the same exon in individuals with primary ciliary dyskinesia (for example, see c.13729C>T, p.Arg4577* in Xu et al. 2023. PubMed ID: 36864285; c.13837delG in Takeuchi et al. 2018. PubMed ID: 28939216). This variant is interpreted as likely pathogenic.

Ambry Genetics
Classification: Pathogenic for Primary ciliary dyskinesia. Last evaluated: 2024-08-28. Review status: criteria provided, single submitter. Criteria: Ambry Variant Classification Scheme 2023. Collection method: clinical testing. Allele origin: germline.
Comment: The p.R4592* pathogenic mutation (also known as c.13774C>T), located in coding exon 79 of the DNAH5 gene, results from a C to T substitution at nucleotide position 13774. This changes the amino acid from an arginine to a stop codon within coding exon 79. This alteration occurs at the 3' terminus of theDNAH5 gene, is not expected to trigger nonsense-mediated mRNA decay, and only impacts the last 33 amino acids of the protein. However, premature stop codons are typically deleterious in nature. This variant has been identified in the homozygous state and/or in conjunction with other DNAH5 variant(s) in individuals with features consistent with primary ciliary dyskinesia; in at least one instance, the variants were identified in trans (Chen M et al. Eur J Obstet Gynecol Reprod Biol, 2020 Aug;251:119-124; Pifferi M et al. Ann Am Thorac Soc, 2021 Jun;18:963-970). Based on the supporting evidence, this variant is interpreted as a disease-causing mutation.

Blueprint Genetics
Classification: Uncertain significance. Last evaluated: 2024-05-13. Review status: criteria provided, single submitter. Criteria: ACMG Guidelines, 2015. Collection method: clinical testing. Allele origin: germline.

Labcorp Genetics (formerly Invitae), Labcorp
Classification: Pathogenic for Primary ciliary dyskinesia. Last evaluated: 2024-05-08. Review status: criteria provided, single submitter. Criteria: Invitae Variant Classification Sherloc (09022015). Collection method: clinical testing. Allele origin: germline.
Comment: This sequence change creates a premature translational stop signal (p.Arg4592*) in the DNAH5 gene. While this is not anticipated to result in nonsense mediated decay, it is expected to disrupt the last 33 amino acid(s) of the DNAH5 protein. This variant is present in population databases (rs758112779, gnomAD 0.009%). This premature translational stop signal has been observed in individual(s) with clinical features of primary ciliary dyskinesia (PMID: 32502767; Invitae). ClinVar contains an entry for this variant (Variation ID: 1066064). This variant disrupts a region of the DNAH5 protein in which other variant(s) (p.Cys4621Tyr) have been observed in individuals with DNAH5-related conditions (Invitae). This suggests that this is a clinically significant region of the protein, and that variants that disrupt it are likely to be disease-causing. For these reasons, this variant has been classified as Pathogenic.

Fulgent Genetics
Classification: Likely pathogenic for Primary ciliary dyskinesia 3. Last evaluated: 2022-04-25. Review status: criteria provided, single submitter. Criteria: ACMG Guidelines, 2015. Collection method: clinical testing. Allele origin: unknown.

UNC Molecular Genetics  Laboratory, University of North Carolina at Chapel Hill
Classification: Likely pathogenic for Primary ciliary dyskinesia. Last evaluated: 2022-03-15. Review status: criteria provided, single submitter. Criteria: ACMG Guidelines, 2015. Collection method: clinical testing. Allele origin: germline. Observed: 2 compound heterozygotes.

Neuberg Centre For Genomic Medicine, NCGM
Classification: Likely pathogenic for Primary ciliary dyskinesia 3. Review status: criteria provided, single submitter. Criteria: ACMG Guidelines, 2015. Collection method: clinical testing. Allele origin: germline. Inheritance: Autosomal recessive inheritance. Affected: yes.

Literature cited by the submitters: PubMed 32502767 (cited by 4 submitters); PubMed 33760720 (cited by Natera, Inc. and Ambry Genetics); PubMed 39181709 (cited by Myriad Genetics, Inc.); PubMed 39875822 (cited by Myriad Genetics, Inc.).